The following is an entry in ClinVar:

NM_001012339.3(DNAJC21):c.575G>T (p.Arg192Leu)

Gene: DNAJC21 (DnaJ heat shock protein family (Hsp40) member C21; plus strand). Cytogenetic location: 5p13.2.
Variant type: single nucleotide variant.
Coding change: c.575G>T on transcript NM_001012339.3 (MANE Select); coding-DNA position 575, G replaced by T.
Protein change: p.Arg192Leu; replaces arginine 192 with leucine.
Molecular consequence: missense variant.
Genome position (GRCh38, 1-based): chr5:34,937,462, G>T. VCF-style: chr5-34937462-G-T. GRCh37 (hg19) VCF-style: chr5-34937567-G-T.
Other names: c.575G>T, p.Arg192Leu (NM_001348420.2, NM_194283.4); short protein forms R192L.
Identifiers: ClinVar variation 4693470 (VCV004693470.1).

ClinVar aggregate classification (germline): Uncertain significance (1 of 4 stars; one submission).

Submission:

Labcorp Genetics (formerly Invitae), Labcorp
Classification: Uncertain significance. Last evaluated: 2026-01-20. Review status: criteria provided, single submitter. Criteria: Invitae Variant Classification Sherloc (09022015). Collection method: clinical testing. Allele origin: germline.
Comment: This sequence change replaces arginine, which is basic and polar, with leucine, which is neutral and non-polar, at codon 192 of the DNAJC21 protein (p.Arg192Leu). This variant is present in population databases (rs372281449, gnomAD 0.01%). This variant has not been reported in the literature in individuals affected with DNAJC21-related conditions. An algorithm developed to predict the effect of missense changes on protein structure and function (PolyPhen-2) suggests that this variant is likely to be disruptive. In summary, the available evidence is currently insufficient to determine the role of this variant in disease. Therefore, it has been classified as a Variant of Uncertain Significance.